The following is an entry in ClinVar:

ClinVar aggregate classification (germline): Pathogenic. Review status: criteria provided, single submitter (1 of 4 stars). 2 submissions from 2 submitters: Pathogenic (1). 1 of the submissions does not count toward it. Last evaluated 2024-07-03.

Submissions (2):

Labcorp Genetics (formerly Invitae), Labcorp
Classification: Pathogenic. Last evaluated: 2024-07-03. Review status: criteria provided, single submitter. Criteria: Invitae Variant Classification Sherloc (09022015). Collection method: clinical testing. Allele origin: germline.
Comment: This sequence change affects an acceptor splice site in intron 34 of the ABCA4 gene. It is expected to disrupt RNA splicing. Variants that disrupt the donor or acceptor splice site typically lead to a loss of protein function (PMID: 16199547), and loss-of-function variants in ABCA4 are known to be pathogenic (PMID: 10958761, 24938718, 25312043, 26780318). This variant is not present in population databases (gnomAD no frequency). Disruption of this splice site has been observed in individuals with clinical features of ABCA4-related conditions (PMID: 35120629; Invitae). ClinVar contains an entry for this variant (Variation ID: 99324). Algorithms developed to predict the effect of sequence changes on RNA splicing suggest that this variant may disrupt the consensus splice site. For these reasons, this variant has been classified as Pathogenic.

Retina International
No classification provided. Review status: no classification provided. Collection method: not provided. Allele origin: not provided. Not counted in ClinVar's aggregate classification.

Literature cited by the submitters: PubMed 16199547 (cited by Labcorp Genetics (formerly Invitae), Labcorp); PubMed 10958761 (cited by Labcorp Genetics (formerly Invitae), Labcorp); PubMed 24938718 (cited by Labcorp Genetics (formerly Invitae), Labcorp); PubMed 25312043 (cited by Labcorp Genetics (formerly Invitae), Labcorp); PubMed 26780318 (cited by Labcorp Genetics (formerly Invitae), Labcorp); PubMed 35120629 (cited by Labcorp Genetics (formerly Invitae), Labcorp).

NM_000350.3(ABCA4):c.4849-1G>C

Genes: ABCA4 (ATP binding cassette subfamily A member 4; minus strand), LOC126805793 (CDK7 strongly-dependent group 2 enhancer GRCh37_chr1:94486302-94487501; plus strand). Cytogenetic location: 1p22.1.
Variant type: single nucleotide variant.
Coding change: c.4849-1G>C on transcript NM_000350.3 (MANE Select); the canonical splice acceptor site of the intron before coding-DNA position 4849, G replaced by C.
Molecular consequence: splice acceptor variant.
Genome position (GRCh38, 1-based): chr1:94,021,410, C>G on the plus strand (G>C on the coding strand, the complement: ABCA4 is on the minus strand). VCF-style: chr1-94021410-C-G. GRCh37 (hg19) VCF-style: chr1-94486966-C-G.
Identifiers: ClinVar variation 99324 (VCV000099324.3), dbSNP rs61750156, ClinGen allele CA227243.
Genomic context (GRCh38, chr1:94,021,410, plus strand): 5'-GTTGTGGGCCACATTGAGAAAGCTGACCAGGGCATGCCAGCCTTTGTTATTAAACCACAC[C>G]TAGAGGGTGGAGAGGACATCTGAGACGCTGCACTAACAGCTAGTTAAAGCAGAAATCAGT-3'